The following is an entry in ClinVar:

ClinVar aggregate classification (germline): Uncertain significance. Review status: criteria provided, multiple submitters, no conflicts (2 of 4 stars). 2 submissions from 2 submitters: Uncertain significance (2). Last evaluated 2024-01-13.

Conditions:
Cardiovascular phenotype. Identifiers: MedGen CN230736.

Allele frequency attached by ClinVar (database versions not stated): TOPMed below 0.00001.
gnomAD v4.1: 30 of 1,546,310 alleles (0.0019%); highest among the groups gnomAD compares: Non-Finnish European, 0.0025%; no homozygotes.

Submissions (2):

Ambry Genetics
Classification: Uncertain significance for Cardiovascular phenotype. Last evaluated: 2024-01-13. Review status: criteria provided, single submitter. Criteria: Ambry Variant Classification Scheme 2023. Collection method: clinical testing. Allele origin: germline.
Comment: The p.V487L variant (also known as c.1459G>C), located in coding exon 1 of the ZNF469 gene, results from a G to C substitution at nucleotide position 1459. The valine at codon 487 is replaced by leucine, an amino acid with highly similar properties. This amino acid position is conserved. In addition, this alteration is predicted to be tolerated by in silico analysis. Since supporting evidence is limited at this time, the clinical significance of this alteration remains unclear.

Mayo Clinic Laboratories, Mayo Clinic
Classification: Uncertain significance. Last evaluated: 2023-05-12. Review status: criteria provided, single submitter. Criteria: ACMG Guidelines, 2015. Collection method: clinical testing. Allele origin: germline. Observed: 1 variant allele.
Comment: BP4

NM_001367624.2(ZNF469):c.1459G>C (p.Val487Leu)

Gene: ZNF469 (zinc finger protein 469; plus strand). Cytogenetic location: 16q24.2.
Variant type: single nucleotide variant.
Coding change: c.1459G>C on transcript NM_001367624.2 (MANE Select); coding-DNA position 1459, G replaced by C.
Protein change: p.Val487Leu; replaces valine 487 with leucine.
Molecular consequence: missense variant.
Genome position (GRCh38, 1-based): chr16:88,428,929, G>C. VCF-style: chr16-88428929-G-C. GRCh37 (hg19) VCF-style: chr16-88495337-G-C.
Other names: NM_001127464.1:c.1459G>C; p.Val487Leu; short protein forms V487L.
Identifiers: ClinVar variation 1773109 (VCV001773109.3), dbSNP rs1016285174, ClinGen allele CA286372741.
Genomic context (GRCh38, chr16:88,428,929, plus strand): 5'-CAGCCCAGCCCAGGCCAGCGGCTCTGCCTCCCCCAGAGTGCCCCCCTGCCTTGGCCCCAA[G>C]TGCTCCCGACCGCCCGGCCAAGTCCCCACGGAATGGAGATGCTGAGCCGGCTGCCTTTCC-3'
Protein context (NP_001354553.1, residues 477-497): PQSAPLPWPQ[Val487Leu]LPTARPSPHG